The following is an entry in ClinVar:

NM_005765.3(ATP6AP2):c.30G>T (p.Leu10Phe)

Genes: ATP6AP2 (ATPase H+ transporting accessory protein 2; plus strand), LOC130068149 (ATAC-STARR-seq lymphoblastoid silent region 20763; plus strand). Cytogenetic location: Xp11.4.
Variant type: single nucleotide variant.
Coding change: c.30G>T on transcript NM_005765.3 (MANE Select); coding-DNA position 30, G replaced by T.
Protein change: p.Leu10Phe; replaces leucine 10 with phenylalanine.
Molecular consequence: missense variant.
Genome position (GRCh38, 1-based): chrX:40,581,095, G>T. VCF-style: chrX-40581095-G-T. GRCh37 (hg19) VCF-style: chrX-40440347-G-T.
Other names: short protein forms L10F.
Identifiers: ClinVar variation 4086623 (VCV004086623.1).

ClinVar aggregate classification (germline): Uncertain significance (1 of 4 stars; one submission).

Submission:

GeneDx
Classification: Uncertain significance. Last evaluated: 2025-03-14. Review status: criteria provided, single submitter. Criteria: GeneDx Variant Classification Process June 2021. Collection method: clinical testing. Allele origin: germline. Affected: yes.
Comment: Not observed at significant frequency in large population cohorts (gnomAD); In silico analysis indicates that this missense variant does not alter protein structure/function; Has not been previously published as pathogenic or benign to our knowledge